The following is an entry in ClinVar:

ClinVar aggregate classification (germline): Uncertain significance. Review status: criteria provided, multiple submitters, no conflicts (2 of 4 stars). 2 submissions from 2 submitters: Uncertain significance (2). Last evaluated 2025-03-18.

Conditions:
Inborn genetic diseases. Identifiers: MedGen C0950123, MeSH D030342.

gnomAD v4.1: 7 of 1,610,970 alleles (0.00043%); highest among the groups gnomAD compares: African/African-American, 0.0027%; no homozygotes.

Submissions (2):

Ambry Genetics
Classification: Uncertain significance for Inborn genetic diseases. Last evaluated: 2025-03-18. Review status: criteria provided, single submitter. Criteria: Ambry Variant Classification Scheme 2023. Collection method: clinical testing. Allele origin: germline.

Labcorp Genetics (formerly Invitae), Labcorp
Classification: Uncertain significance. Last evaluated: 2022-01-27. Review status: criteria provided, single submitter. Criteria: Invitae Variant Classification Sherloc (09022015). Collection method: clinical testing. Allele origin: germline.
Comment: This sequence change replaces tyrosine, which is neutral and polar, with cysteine, which is neutral and slightly polar, at codon 347 of the KCNV2 protein (p.Tyr347Cys). This variant is present in population databases (rs530163400, gnomAD 0.007%). This variant has not been reported in the literature in individuals affected with KCNV2-related conditions. Advanced modeling of protein sequence and biophysical properties (such as structural, functional, and spatial information, amino acid conservation, physicochemical variation, residue mobility, and thermodynamic stability) performed at Invitae indicates that this missense variant is expected to disrupt KCNV2 protein function. In summary, the available evidence is currently insufficient to determine the role of this variant in disease. Therefore, it has been classified as a Variant of Uncertain Significance.

NM_133497.4(KCNV2):c.1040A>G (p.Tyr347Cys)

Gene: KCNV2 (potassium voltage-gated channel modifier subfamily V member 2; plus strand). Cytogenetic location: 9p24.2.
Variant type: single nucleotide variant.
Coding change: c.1040A>G on transcript NM_133497.4 (MANE Select); coding-DNA position 1040, A replaced by G.
Protein change: p.Tyr347Cys; replaces tyrosine 347 with cysteine.
Molecular consequence: missense variant.
Genome position (GRCh38, 1-based): chr9:2,718,779, A>G. VCF-style: chr9-2718779-A-G. GRCh37 (hg19) VCF-style: chr9-2718779-A-G.
Other names: c.1040A>G (NM_133497.3); short protein forms Y347C.
Identifiers: ClinVar variation 2090310 (VCV002090310.2), dbSNP rs530163400, ClinGen allele CA4965737.